The following is an entry in ClinVar:

NM_178536.4(LCN12):c.324C>T (p.His108=)

Gene: LCN12 (lipocalin 12; plus strand). Cytogenetic location: 9q34.3.
Variant type: single nucleotide variant.
Coding change: c.324C>T on transcript NM_178536.4 (MANE Select); coding-DNA position 324, C replaced by T.
Protein change: p.His108=; no amino-acid change (histidine 108 retained).
Molecular consequence: synonymous variant.
Genome position (GRCh38, 1-based): chr9:136,953,772, C>T. VCF-style: chr9-136953772-C-T. GRCh37 (hg19) VCF-style: chr9-139848224-C-T.
Identifiers: ClinVar variation 3770844 (VCV003770844.13).
Genomic context (GRCh38, chr9:136,953,772, plus strand): 5'-TGACACATGGTCTTATGTGCTGATACCGGCAGCCCAGCCTGGGCAGTTCACTGTGGACCA[C>T]GGTGTGGGTAAGCCAGTCACAGGAGGGAGGGACGGGGTGCTGGCCCACAGGGATGTGACG-3'
Protein context (NP_848631.2, residues 98-118): AAQPGQFTVD[His108=]GVEPGADREE

ClinVar aggregate classification (germline): Likely benign (1 of 4 stars; one submission).

gnomAD v4.1: 16 of 1,605,950 alleles (0.001%); highest among the groups gnomAD compares: Middle Eastern, 0.016%; 1 homozygote.

Submission:

CeGaT Center for Human Genetics Tuebingen
Classification: Likely benign. Last evaluated: 2024-12-01. Review status: criteria provided, single submitter. Criteria: CeGaT Center For Human Genetics Tuebingen Variant Classification Criteria Version 2. Collection method: clinical testing. Allele origin: germline. Affected: yes. Observed: 1 variant allele.
Comment: LCN12: BP4, BP7